The following is an entry in ClinVar:

ClinVar aggregate classification (germline): Conflicting classifications of pathogenicity. Review status: criteria provided, conflicting classifications (1 of 4 stars). 2 submissions from 2 submitters: Pathogenic (1); Uncertain significance (1). Last evaluated 2023-04-01.

Conditions:
Infantile-onset X-linked spinal muscular atrophy. Also called: AMC, DISTAL, X-LINKED; ARTHROGRYPOSIS, X-LINKED, TYPE I; SPINAL MUSCULAR ATROPHY, X-LINKED LETHAL INFANTILE; Spinal Muscular Atrophy, X-Linked Infantile; Spinal muscular atrophy, X-linked 2. Identifiers: Orphanet 1145, MedGen C1844934, MONDO:0010532, OMIM 301830.

Submissions (2):

CeGaT Center for Human Genetics Tuebingen
Classification: Pathogenic. Last evaluated: 2023-04-01. Review status: criteria provided, single submitter. Criteria: CeGaT Center For Human Genetics Tuebingen Variant Classification Criteria Version 2. Collection method: clinical testing. Allele origin: germline. Affected: yes. Observed: 1 variant allele.
Comment: UBA1: PM1, PM2, PS2:Moderate, PS4:Moderate, PP3, PP4

Labcorp Genetics (formerly Invitae), Labcorp
Classification: Uncertain significance for Infantile-onset X-linked spinal muscular atrophy. Last evaluated: 2023-03-22. Review status: criteria provided, single submitter. Criteria: Invitae Variant Classification Sherloc (09022015). Collection method: clinical testing. Allele origin: germline.
Comment: In summary, the available evidence is currently insufficient to determine the role of this variant in disease. Therefore, it has been classified as a Variant of Uncertain Significance. An algorithm developed to predict the effect of missense changes on protein structure and function (PolyPhen-2) suggests that this variant is likely to be disruptive. This variant has not been reported in the literature in individuals affected with UBA1-related conditions. This variant is not present in population databases (gnomAD no frequency). This sequence change replaces alanine, which is neutral and non-polar, with serine, which is neutral and polar, at codon 478 of the UBA1 protein (p.Ala478Ser).

NM_003334.4(UBA1):c.1432G>T (p.Ala478Ser)

Gene: UBA1 (ubiquitin like modifier activating enzyme 1; plus strand). Cytogenetic location: Xp11.3.
Variant type: single nucleotide variant.
Coding change: c.1432G>T on transcript NM_003334.4 (MANE Select); coding-DNA position 1432, G replaced by T.
Protein change: p.Ala478Ser; replaces alanine 478 with serine.
Molecular consequence: missense variant.
Genome position (GRCh38, 1-based): chrX:47,203,553, G>T. VCF-style: chrX-47203553-G-T. GRCh37 (hg19) VCF-style: chrX-47062952-G-T.
Other names: c.1432G>T, p.Ala478Ser (NM_153280.3); short protein forms A478S.
Identifiers: ClinVar variation 2571366 (VCV002571366.30), dbSNP rs782712220, ClinGen allele CA10395921.